The following is an entry in ClinVar:

NM_020693.4(DSCAML1):c.4961G>A (p.Arg1654Gln)

Gene: DSCAML1 (DS cell adhesion molecule like 1; minus strand). Cytogenetic location: 11q23.3.
Variant type: single nucleotide variant.
Coding change: c.4961G>A on transcript NM_020693.4 (MANE Select); coding-DNA position 4961, G replaced by A.
Protein change: p.Arg1654Gln; replaces arginine 1654 with glutamine.
Molecular consequence: missense variant.
Genome position (GRCh38, 1-based): chr11:117,433,203, C>T on the plus strand (G>A on the coding strand, the complement: DSCAML1 is on the minus strand). VCF-style: chr11-117433203-C-T. GRCh37 (hg19) VCF-style: chr11-117303919-C-T.
Other names: short protein forms R1654Q.
Identifiers: ClinVar variation 1450853 (VCV001450853.7), dbSNP rs528144133, ClinGen allele CA6296207.
Genomic context (GRCh38, chr11:117,433,203, plus strand): 5'-TGCTTGATGCCTTCTTTGTCCTCGATGAGCAGCTGGACCCTGGGGATGTCAATGTGTAGC[C>T]GTGGGCCCTGGGGTGGCCCTTTCACAGGGGTGTCAAAGCTTCTATTGTTCTTGCTGTGGG-3'
Protein context (NP_065744.3, residues 1644-1664): TPVKGPPQGP[Arg1654Gln]LHIDIPRVQL

ClinVar aggregate classification (germline): Uncertain significance. Review status: criteria provided, multiple submitters, no conflicts (2 of 4 stars). 2 submissions from 2 submitters: Uncertain significance (2). Last evaluated 2026-01-26.

Allele frequency attached by ClinVar (database versions not stated): ExAC 0.00003; gnomAD exomes 0.00004; gnomAD 0.00006 and 0.00007; TOPMed 0.00012; 1000 Genomes Project 30x 0.00016; 1000 Genomes Project 0.00020.
gnomAD v4.1: 126 of 1,613,990 alleles (0.0078%); highest among the groups gnomAD compares: Middle Eastern, 0.066%; no homozygotes.

Submissions (2):

Labcorp Genetics (formerly Invitae), Labcorp
Classification: Uncertain significance. Last evaluated: 2026-01-26. Review status: criteria provided, single submitter. Criteria: Invitae Variant Classification Sherloc (09022015). Collection method: clinical testing. Allele origin: germline.
Comment: This sequence change replaces arginine, which is basic and polar, with glutamine, which is neutral and polar, at codon 1714 of the DSCAML1 protein (p.Arg1714Gln). This variant is present in population databases (rs528144133, gnomAD 0.01%). This variant has not been reported in the literature in individuals affected with DSCAML1-related conditions. ClinVar contains an entry for this variant (Variation ID: 1450853). An algorithm developed to predict the effect of missense changes on protein structure and function (PolyPhen-2) suggests that this variant is likely to be disruptive. In summary, the available evidence is currently insufficient to determine the role of this variant in disease. Therefore, it has been classified as a Variant of Uncertain Significance.

Breakthrough Genomics
Classification: Uncertain significance. Review status: criteria provided, single submitter. Criteria: ACMG Guidelines, 2015. Collection method: not provided. Allele origin: germline. Inheritance: Unknown mechanism. Affected: yes.